The following is an entry in ClinVar:

NM_000051.4(ATM):c.1992del (p.Ile665fs)

Gene: ATM (ATM serine/threonine kinase; plus strand). Cytogenetic location: 11q22.3.
Variant type: Deletion.
Coding change: c.1992del on transcript NM_000051.4 (MANE Select); coding-DNA position 1992, one base deleted (C; older notation c.1992delC).
Protein change: p.Ile665fs; shifts the reading frame from isoleucine 665.
Molecular consequence: frameshift variant.
Genome position (GRCh38, 1-based): chr11:108,253,907, C deleted; the last of 2 consecutive C bases (chr11:108,253,906-108,253,907); deleting either gives the same sequence. VCF-style (leftmost placement, unchanged base first): chr11-108253905-AC-A. GRCh37 (hg19) VCF-style: chr11-108124632-AC-A.
Other names: c.1992del, p.Ile665fs (NM_001351834.2); short protein forms I665fs.
Identifiers: ClinVar variation 3148391 (VCV003148391.1), dbSNP rs2135368545, ClinGen allele CA2825001776.

ClinVar aggregate classification (germline): Pathogenic (1 of 4 stars; one submission).

Conditions:
Familial cancer of breast. Also called: BREAST CANCER, FAMILIAL; Hereditary breast cancer; hereditary breast carcinoma. Identifiers: Orphanet 227535, MedGen C0346153, MONDO:0016419, OMIM 114480. Disease mechanism: loss of function.

Submission:

Myriad Genetics, Inc.
Classification: Pathogenic for Familial cancer of breast. Last evaluated: 2024-01-17. Review status: criteria provided, single submitter. Criteria: Myriad Autosomal Dominant, Autosomal Recessive and X-Linked Classification Criteria (2023). Collection method: clinical testing. Allele origin: unknown.
Comment: This variant is considered pathogenic. This variant creates a frameshift predicted to result in premature protein truncation.